The following is an entry in ClinVar:

NM_001164508.2(NEB):c.9508dup (p.Ile3170fs)

Gene: NEB (nebulin; minus strand). Cytogenetic location: 2q23.3.
Variant type: Duplication.
Coding change: c.9508dup on transcript NM_001164508.2 (MANE Select); coding-DNA position 9508, one base duplicated (A; older notation c.9508dupA).
Protein change: p.Ile3170fs; shifts the reading frame from isoleucine 3170.
Molecular consequence: frameshift variant. On other transcripts: intron variant (1).
Genome position (GRCh38, 1-based): chr2:151,631,253, T duplicated on the plus strand (A on the coding strand, the reverse complement: NEB is on the minus strand); the first of 3 consecutive T bases (chr2:151,631,253-151,631,255); duplicating any one gives the same sequence. VCF-style (leftmost placement, unchanged base first): chr2-151631252-A-AT. GRCh37 (hg19) VCF-style: chr2-152487766-A-AT.
Other names: c.9508dup, p.Ile3170fs (NM_001164507.2, NM_001271208.2); c.8854-75dup (NM_004543.5); short protein forms I3170fs.
Identifiers: ClinVar variation 2033404 (VCV002033404.4), dbSNP rs2552238326, ClinGen allele CA2580063919.

ClinVar aggregate classification (germline): Pathogenic (1 of 4 stars; one submission).

Conditions:
Nemaline myopathy 2 (NEM2). Also called: Nemaline myopathy 2, autosomal recessive. Identifiers: MedGen C1850569, MONDO:0009725, OMIM 256030.

Submission:

Labcorp Genetics (formerly Invitae), Labcorp
Classification: Pathogenic for Nemaline myopathy 2. Last evaluated: 2022-09-29. Review status: criteria provided, single submitter. Criteria: Invitae Variant Classification Sherloc (09022015). Collection method: clinical testing. Allele origin: germline.
Comment: For these reasons, this variant has been classified as Pathogenic. This variant has not been reported in the literature in individuals affected with NEB-related conditions. This variant is not present in population databases (gnomAD no frequency). This sequence change creates a premature translational stop signal (p.Ile3170Asnfs*4) in the NEB gene. It is expected to result in an absent or disrupted protein product. Loss-of-function variants in NEB are known to be pathogenic (PMID: 25205138).

Literature cited by the submitters: PubMed 25205138.